The following is an entry in ClinVar:

NM_001942.4(DSG1):c.684+6T>C

Gene: DSG1 (desmoglein 1; plus strand). Cytogenetic location: 18q12.1.
Variant type: single nucleotide variant.
Coding change: c.684+6T>C on transcript NM_001942.4 (MANE Select); 6 bases into the intron after coding-DNA position 684, T replaced by C.
Molecular consequence: intron variant.
Genome position (GRCh38, 1-based): chr18:31,331,873, T>C. VCF-style: chr18-31331873-T-C. GRCh37 (hg19) VCF-style: chr18-28911836-T-C.
Identifiers: ClinVar variation 4726363 (VCV004726363.1).
Genomic context (GRCh38, chr18:31,331,873, plus strand): 5'-TATCAACAGAAATACTGGAGAAATTCGAACGATGAATAATTTTCTAGACAGAGAGGTAAT[T>C]CTTTTTCTTTAAGTGGGTTTTTGGTCTCAAAGGAACTGATTCTAAAAGCAAGGATACTGA-3'

ClinVar aggregate classification (germline): Uncertain significance (1 of 4 stars; one submission).

Submission:

Labcorp Genetics (formerly Invitae), Labcorp
Classification: Uncertain significance. Last evaluated: 2025-08-30. Review status: criteria provided, single submitter. Criteria: Invitae Variant Classification Sherloc (09022015). Collection method: clinical testing. Allele origin: germline.
Comment: This sequence change falls in intron 6 of the DSG1 gene. It does not directly change the encoded amino acid sequence of the DSG1 protein. It affects a nucleotide within the consensus splice site. This variant is not present in population databases (gnomAD no frequency). This variant has not been reported in the literature in individuals affected with DSG1-related conditions. Variants that disrupt the consensus splice site are a relatively common cause of aberrant splicing (PMID: 17576681, 9536098). Algorithms developed to predict the effect of sequence changes on RNA splicing suggest that this variant is not likely to affect RNA splicing. In summary, the available evidence is currently insufficient to determine the role of this variant in disease. Therefore, it has been classified as a Variant of Uncertain Significance.

Literature cited by the submitters: PubMed 17576681; PubMed 9536098.